The following is an entry in ClinVar:

NM_006009.4(TUBA1A):c.434C>G (p.Thr145Ser)

Gene: TUBA1A (tubulin alpha 1a; minus strand). Cytogenetic location: 12q13.12.
Variant type: single nucleotide variant.
Coding change: c.434C>G on transcript NM_006009.4 (MANE Select); coding-DNA position 434, C replaced by G.
Protein change: p.Thr145Ser; replaces threonine 145 with serine.
Molecular consequence: missense variant.
Genome position (GRCh38, 1-based): chr12:49,185,932, G>C on the plus strand (C>G on the coding strand, the complement: TUBA1A is on the minus strand). VCF-style: chr12-49185932-G-C. GRCh37 (hg19) VCF-style: chr12-49579715-G-C.
Other names: c.434C>G, p.Thr145Ser (NM_001270399.2); c.329C>G, p.Thr110Ser (NM_001270400.2); short protein forms T110S, T145S.
Identifiers: ClinVar variation 4854545 (VCV004854545.1).

ClinVar aggregate classification (germline): Uncertain significance (1 of 4 stars; one submission).

Conditions:
Lissencephaly due to TUBA1A mutation (CDCBM16). Also called: Lissencephaly 3; CORTICAL DYSPLASIA, COMPLEX, WITH OTHER BRAIN MALFORMATIONS 16. Identifiers: Orphanet 171680, MedGen C4305153, MONDO:0012703, OMIM 611603.

Submission:

3billion
Classification: Uncertain significance for Lissencephaly due to TUBA1A mutation. Last evaluated: 2025-09-05. Review status: criteria provided, single submitter. Criteria: ACMG Guidelines, 2015. Collection method: clinical testing. Allele origin: germline. Affected: yes.
Comment: The variant is not observed in the gnomAD v4.1.0 dataset. Predicted Consequence/Location: Missense variant. Missense changes are a common disease-causing mechanism. In silico tool predictions suggest damaging effect of the variant on gene or gene product [REVEL: 0.84 (>=0.6, sensitivity 0.68 and specificity 0.92); 3Cnet: 0.99 (> 0.75, sensitivity 0.96 and precision 0.92)]. A different missense change at the same codon (p.Thr145Ala) has been reported to be associated with TUBA1A-related disorder (PMID: 30744660). However the evidence of pathogenicity is insufficient at this time. Therefore, this variant is classified as VUS according to the recommendation of ACMG/AMP guideline.

Literature cited by the submitters: PubMed 30744660.